The following is an entry in ClinVar:

NM_005751.5(AKAP9):c.5476G>A (p.Val1826Met)

Gene: AKAP9 (A-kinase anchoring protein 9; plus strand). Cytogenetic location: 7q21.2.
Variant type: single nucleotide variant.
Coding change: c.5476G>A on transcript NM_005751.5 (MANE Select); coding-DNA position 5476, G replaced by A.
Protein change: p.Val1826Met; replaces valine 1826 with methionine.
Molecular consequence: missense variant.
Genome position (GRCh38, 1-based): chr7:92,052,833, G>A. VCF-style: chr7-92052833-G-A. GRCh37 (hg19) VCF-style: chr7-91682147-G-A.
Other names: c.5476G>A, p.Val1826Met (NM_147185.3); short protein forms V1826M.
Identifiers: ClinVar variation 457111 (VCV000457111.10), dbSNP rs1554435236, ClinGen allele CA368131149.
Genomic context (GRCh38, chr7:92,052,833, plus strand): 5'-AATGACATTAACATGTGGTCAAAAGTAACTGAGGAAGGAACAGAGCTGTCACAACGACTT[G>A]TGAGGAGTGGTTTTGCTGGAACTGAAATAGACCCTGAAAATGAAGAACTTATGCTGAACA-3'
Protein context (NP_005742.4, residues 1816-1836): EEGTELSQRL[Val1826Met]RSGFAGTEID

ClinVar aggregate classification (germline): Uncertain significance. Review status: criteria provided, multiple submitters, no conflicts (2 of 4 stars). 2 submissions from 2 submitters: Uncertain significance (2). Last evaluated 2024-02-03.

Conditions:
Long QT syndrome (LQTS). Identifiers: MedGen C0023976, MeSH D008133, MONDO:0002442. Disease mechanism: loss of function. Inheritance: Various modes of inheritance.
Cardiovascular phenotype. Identifiers: MedGen CN230736.

Allele frequency attached by ClinVar (database versions not stated): gnomAD exomes below 0.00001.
gnomAD v4.1: 4 of 1,613,860 alleles (0.00025%); highest among the groups gnomAD compares: Non-Finnish European, 0.00034%; no homozygotes.

Submissions (2):

Ambry Genetics
Classification: Uncertain significance for Cardiovascular phenotype. Last evaluated: 2024-02-03. Review status: criteria provided, single submitter. Criteria: Ambry Variant Classification Scheme 2023. Collection method: clinical testing. Allele origin: germline.
Comment: The p.V1826M variant (also known as c.5476G>A), located in coding exon 22 of the AKAP9 gene, results from a G to A substitution at nucleotide position 5476. The valine at codon 1826 is replaced by methionine, an amino acid with highly similar properties. This amino acid position is poorly conserved in available vertebrate species. In addition, this alteration is predicted to be tolerated by in silico analysis. Since supporting evidence is limited at this time, the clinical significance of this alteration remains unclear.

Labcorp Genetics (formerly Invitae), Labcorp
Classification: Uncertain significance for Long QT syndrome. Last evaluated: 2024-01-08. Review status: criteria provided, single submitter. Criteria: Invitae Variant Classification Sherloc (09022015). Collection method: clinical testing. Allele origin: germline.
Comment: This sequence change replaces valine, which is neutral and non-polar, with methionine, which is neutral and non-polar, at codon 1826 of the AKAP9 protein (p.Val1826Met). This variant is not present in population databases (gnomAD no frequency). This variant has not been reported in the literature in individuals affected with AKAP9-related conditions. ClinVar contains an entry for this variant (Variation ID: 457111). Algorithms developed to predict the effect of missense changes on protein structure and function output the following: SIFT: "Not Available"; PolyPhen-2: "Benign"; Align-GVGD: "Not Available". The methionine amino acid residue is found in multiple mammalian species, which suggests that this missense change does not adversely affect protein function. In summary, the available evidence is currently insufficient to determine the role of this variant in disease. Therefore, it has been classified as a Variant of Uncertain Significance.